The following is an entry in ClinVar:

NM_000388.4(CASR):c.3004A>C (p.Lys1002Gln)

Gene: CASR (calcium sensing receptor; plus strand). Cytogenetic location: 3q21.1.
Variant type: single nucleotide variant.
Coding change: c.3004A>C on transcript NM_000388.4 (MANE Select); coding-DNA position 3004, A replaced by C.
Protein change: p.Lys1002Gln; replaces lysine 1002 with glutamine.
Molecular consequence: missense variant.
Genome position (GRCh38, 1-based): chr3:122,284,958, A>C. VCF-style: chr3-122284958-A-C. GRCh37 (hg19) VCF-style: chr3-122003805-A-C.
Other names: c.3034A>C, p.Lys1012Gln (NM_001178065.2); short protein forms K1002Q, K1012Q.
Identifiers: ClinVar variation 645985 (VCV000645985.9), dbSNP rs1467916973, ClinGen allele CA354161244.

ClinVar aggregate classification (germline): Conflicting classifications of pathogenicity. Review status: criteria provided, conflicting classifications (1 of 4 stars). 2 submissions from 2 submitters: Uncertain significance (1); Likely benign (1). Last evaluated 2025-08-11.

Conditions:
Nephrolithiasis/nephrocalcinosis. Identifiers: MedGen CN580796.
Familial hypocalciuric hypercalcemia (FHH). Also called: Familial benign hypercalcemia. Identifiers: Orphanet 405, MedGen C1809471, MONDO:0018458.
Autosomal dominant hypocalcemia 1 (HYPOC1). Also called: HYPOCALCEMIA, FAMILIAL. Identifiers: MedGen C3715128, MONDO:0011013, OMIM 601198.

Allele frequency attached by ClinVar (database versions not stated): gnomAD exomes below 0.00001.
gnomAD v4.1: 1 of 1,614,206 alleles (0.000062%); highest among the groups gnomAD compares: Non-Finnish European, 0.000085%; no homozygotes.

Submissions (2):

Labcorp Genetics (formerly Invitae), Labcorp
Classification: Likely benign for Familial hypocalciuric hypercalcemia; Autosomal dominant hypocalcemia 1. Last evaluated: 2025-08-11. Review status: criteria provided, single submitter. Criteria: Invitae Variant Classification Sherloc (09022015). Collection method: clinical testing. Allele origin: germline.

Ambry Genetics
Classification: Uncertain significance for Nephrolithiasis/nephrocalcinosis. Last evaluated: 2023-09-11. Review status: criteria provided, single submitter. Criteria: Ambry Variant Classification Scheme 2023. Collection method: clinical testing. Allele origin: germline.
Comment: The p.K1002Q variant (also known as c.3004A>C), located in coding exon 6 of the CASR gene, results from an A to C substitution at nucleotide position 3004. The lysine at codon 1002 is replaced by glutamine, an amino acid with similar properties. This amino acid position is not well conserved in available vertebrate species. In addition, this alteration is predicted to be tolerated by in silico analysis. Since supporting evidence is limited at this time, the clinical significance of this alteration remains unclear.